The following is an entry in ClinVar:

NM_001127178.3(PIGG):c.151G>T (p.Ala51Ser)

Gene: PIGG (phosphatidylinositol glycan anchor biosynthesis class G (EMM blood group); plus strand). Cytogenetic location: 4p16.3.
Variant type: single nucleotide variant.
Coding change: c.151G>T on transcript NM_001127178.3 (MANE Select); coding-DNA position 151, G replaced by T.
Protein change: p.Ala51Ser; replaces alanine 51 with serine.
Molecular consequence: missense variant. On other transcripts: non-coding transcript variant (10), intron variant (1), 5 prime UTR variant (9).
Genome position (GRCh38, 1-based): chr4:499,486, G>T. VCF-style: chr4-499486-G-T. GRCh37 (hg19) VCF-style: chr4-493275-G-T.
Other names: c.-114+188G>T (NM_001289051.2); c.151G>T, p.Ala51Ser (NM_001345989.2, NM_017733.5, NM_001289052.2); c.-1475G>T (NM_001345990.2); c.-1573G>T (NM_001345991.2); c.-1298G>T (NM_001345994.2); c.-675G>T (NM_001289053.2); c.-286G>T (NM_001289055.2); c.-353G>T (NM_001289057.2, NM_001345986.2, NM_001345987.2); and 2 more; short protein forms A51S.
Identifiers: ClinVar variation 2082650 (VCV002082650.2), dbSNP rs782631230, ClinGen allele CA2792904.

ClinVar aggregate classification (germline): Uncertain significance. Review status: criteria provided, multiple submitters, no conflicts (2 of 4 stars). 2 submissions from 2 submitters: Uncertain significance (2). Last evaluated 2026-04-03.

Conditions:
Intellectual disability, autosomal recessive 53 (NEDHSCA). Also called: GLYCOSYLPHOSPHATIDYLINOSITOL BIOSYNTHESIS DEFECT 13; Mental retardation, autosomal recessive 53; NEURODEVELOPMENTAL DISORDER WITH OR WITHOUT HYPOTONIA, SEIZURES, AND CEREBELLAR ATROPHY. Identifiers: Orphanet 488635, MedGen C4310794, MONDO:0014832, OMIM 616917.

Allele frequency attached by ClinVar (database versions not stated): TOPMed 0.00001; gnomAD exomes 0.00002; ExAC 0.00001; gnomAD 0.00002.
gnomAD v4.1: 33 of 1,595,842 alleles (0.0021%); highest among the groups gnomAD compares: Non-Finnish European, 0.0027%; no homozygotes.

Submissions (2):

GeneDx
Classification: Uncertain significance. Last evaluated: 2026-04-03. Review status: criteria provided, single submitter. Criteria: GeneDx Variant Classification Process June 2021. Collection method: clinical testing. Allele origin: germline.
Comment: Not observed at significant frequency in large population cohorts (gnomAD); In silico analysis suggests that this missense variant does not alter protein structure/function; Has not been previously published as pathogenic or benign to our knowledge

Labcorp Genetics (formerly Invitae), Labcorp
Classification: Uncertain significance for Intellectual disability, autosomal recessive 53. Last evaluated: 2022-08-09. Review status: criteria provided, single submitter. Criteria: Invitae Variant Classification Sherloc (09022015). Collection method: clinical testing. Allele origin: germline.
Comment: This sequence change replaces alanine, which is neutral and non-polar, with serine, which is neutral and polar, at codon 51 of the PIGG protein (p.Ala51Ser). The frequency data for this variant in the population databases is considered unreliable, as metrics indicate poor data quality at this position in the gnomAD database. This variant has not been reported in the literature in individuals affected with PIGG-related conditions. Algorithms developed to predict the effect of missense changes on protein structure and function output the following: SIFT: "Tolerated"; PolyPhen-2: "Benign"; Align-GVGD: "Class C0". The serine amino acid residue is found in multiple mammalian species, which suggests that this missense change does not adversely affect protein function. In summary, the available evidence is currently insufficient to determine the role of this variant in disease. Therefore, it has been classified as a Variant of Uncertain Significance.